The following is an entry in ClinVar:

NM_001165963.4(SCN1A):c.4467G>T (p.Gln1489His)

Genes: SCN1A (sodium voltage-gated channel alpha subunit 1; minus strand), LOC102724058 (uncharacterized LOC102724058; plus strand). Cytogenetic location: 2q24.3.
Variant type: single nucleotide variant.
Coding change: c.4467G>T on transcript NM_001165963.4 (MANE Select); coding-DNA position 4467, G replaced by T.
Protein change: p.Gln1489His; replaces glutamine 1489 with histidine.
Molecular consequence: missense variant. On other transcripts: non-coding transcript variant (1).
Genome position (GRCh38, 1-based): chr2:165,998,047, C>A on the plus strand (G>T on the coding strand, the complement: SCN1A is on the minus strand). VCF-style: chr2-165998047-C-A. GRCh37 (hg19) VCF-style: chr2-166854557-C-A.
Other names: c.4383G>T, p.Gln1461His (NM_001165964.3, NM_001353957.2, NM_001353958.2); c.4467G>T, p.Gln1489His (NM_001202435.3, NM_001353948.2); c.4434G>T, p.Gln1478His (NM_001353949.2, NM_001353950.2, NM_001353951.2 and 2 more transcripts); c.4431G>T, p.Gln1477His (NM_001353954.2, NM_001353955.2); c.4380G>T, p.Gln1460His (NM_001353960.2); c.2025G>T, p.Gln675His (NM_001353961.2); short protein forms Q1460H, Q1461H, Q1477H, Q1478H, Q1489H, Q675H.
Identifiers: ClinVar variation 3067160 (VCV003067160.2), dbSNP rs121918633, ClinGen allele CA349049087.

Conditions:
Severe myoclonic epilepsy in infancy (DRVT). Also called: Epileptic encephalopathy, early infantile, 6 (Dravet syndrome); Dravet syndrome; SEVERE MYOCLONIC EPILEPSY OF INFANCY; DEVELOPMENTAL AND EPILEPTIC ENCEPHALOPATHY 6A; Severe Myoclonic Epilepsy in Infancy (SMEI). Identifiers: Orphanet 33069, MedGen C0751122, MONDO:0100135, OMIM 607208.

Submission:

Channelopathy-Associated Epilepsy Research Center
No classification provided (evidence only). Condition: Severe myoclonic epilepsy in infancy. Review status: no classification provided. Collection method: literature only. Allele origin: not applicable. Functional consequence: Normal peak current, Severe hyperpolarizing shift of voltage dependence of activation, Severe depolarizing shift of voltage dependence of fast inactivation, Acceleration of recovery from fast inactivation, Normal voltage dependence of slow inactivation, Acceleration of recovery from slow inactivation, Normal recovery from slow inactivation, Overall gain-of-function effect with respect to biophysical channel activity.
ClinVar note: "not provided" was previously submitted as the classification for the variant. However, the classification appeared to be based only on an observation of functional data so it was converted to no classification on 2025-07-30.

Literature cited by the submitters: PubMed 31730442.